The following is an entry in ClinVar:

ClinVar aggregate classification (germline): Benign/Likely benign. Review status: criteria provided, multiple submitters, no conflicts (2 of 4 stars). 3 submissions from 3 submitters: Benign (1); Likely benign (2). Last evaluated 2026-09-11.

Conditions:
Colorectal cancer, susceptibility to, 1. Also called: COLORECTAL ADENOMA AND CANCER, SUSCEPTIBILITY TO; COLORECTAL CANCER, SUSCEPTIBILITY TO, ON CHROMOSOME 9. Identifiers: MedGen C1837315, MONDO:0012132, OMIM 608812.

Allele frequency attached by ClinVar (database versions not stated): gnomAD exomes below 0.00001; TOPMed below 0.00001.
gnomAD v4.1: 1 of 1,614,186 alleles (0.000062%); highest among the groups gnomAD compares: Non-Finnish European, 0.000085%; no homozygotes.

Submissions (3):

Myriad Genetics, Inc.
Classification: Benign for Colorectal cancer, susceptibility to, 1. Last evaluated: 2026-09-11. Review status: criteria provided, single submitter. Criteria: Myriad Autosomal Dominant, Autosomal Recessive and X-Linked Classification Criteria (2023). Collection method: clinical testing. Allele origin: unknown.
Comment: This variant is considered benign. This variant is a silent/synonymous amino acid change and it is not expected to impact splicing.

Ambry Genetics
Classification: Likely benign. Last evaluated: 2021-05-21. Review status: criteria provided, single submitter. Criteria: Ambry Variant Classification Scheme 2023. Collection method: clinical testing. Allele origin: germline.

Labcorp Genetics (formerly Invitae), Labcorp
Classification: Likely benign. Last evaluated: 2017-11-11. Review status: criteria provided, single submitter. Criteria: Invitae Variant Classification Sherloc (09022015). Collection method: clinical testing. Allele origin: germline.

NM_024642.5(GALNT12):c.741A>G (p.Glu247=)

Gene: GALNT12 (polypeptide N-acetylgalactosaminyltransferase 12; plus strand). Cytogenetic location: 9q22.33.
Variant type: single nucleotide variant.
Coding change: c.741A>G on transcript NM_024642.5 (MANE Select); coding-DNA position 741, A replaced by G.
Protein change: p.Glu247=; no amino-acid change (glutamic acid 247 retained).
Molecular consequence: synonymous variant.
Genome position (GRCh38, 1-based): chr9:98,831,781, A>G. VCF-style: chr9-98831781-A-G. GRCh37 (hg19) VCF-style: chr9-101594063-A-G.
Identifiers: ClinVar variation 726512 (VCV000726512.12), dbSNP rs1588449812, ClinGen allele CA466424711.